The following is an entry in ClinVar:

ClinVar aggregate classification (germline): Uncertain significance. Review status: criteria provided, multiple submitters, no conflicts (2 of 4 stars). 4 submissions from 3 submitters: Uncertain significance (4). Last evaluated 2022-02-10.

Conditions:
Emery-Dreifuss muscular dystrophy 4, autosomal dominant (EDMD4). Also called: EMERY-DREIFUSS MUSCULAR DYSTROPHY 4 WITH VARIABLE FEATURES. Identifiers: Orphanet 261, MedGen C2751807, MONDO:0013071, OMIM 612998.
Autosomal recessive ataxia, Beauce type. Also called: ATAXIA, RECESSIVE, OF BEAUCE; SYNE1 Deficiency; SYNE1-Related Autosomal Recessive Cerebellar Ataxia; Spinocerebellar ataxia, autosomal recessive 8. Identifiers: Orphanet 88644, MedGen C1853116, MONDO:0012549, OMIM 610743.

Allele frequency attached by ClinVar (database versions not stated): gnomAD exomes 0.00001.
gnomAD v4.1: 3 of 1,613,996 alleles (0.00019%); highest among the groups gnomAD compares: Non-Finnish European, 0.00025%; no homozygotes.

Submissions (4):

Labcorp Genetics (formerly Invitae), Labcorp
Classification: Uncertain significance for Emery-Dreifuss muscular dystrophy 4, autosomal dominant; Autosomal recessive ataxia, Beauce type. Last evaluated: 2022-02-10. Review status: criteria provided, single submitter. Criteria: Invitae Variant Classification Sherloc (09022015). Collection method: clinical testing. Allele origin: germline.
Comment: In summary, the available evidence is currently insufficient to determine the role of this variant in disease. Therefore, it has been classified as a Variant of Uncertain Significance. Algorithms developed to predict the effect of missense changes on protein structure and function are either unavailable or do not agree on the potential impact of this missense change (SIFT: "Tolerated"; PolyPhen-2: "Probably Damaging"; Align-GVGD: "Class C0"). ClinVar contains an entry for this variant (Variation ID: 908036). This variant has not been reported in the literature in individuals affected with SYNE1-related conditions. This variant is not present in population databases (gnomAD no frequency). This sequence change replaces proline, which is neutral and non-polar, with serine, which is neutral and polar, at codon 229 of the SYNE1 protein (p.Pro229Ser).

Revvity Omics, Revvity
Classification: Uncertain significance. Last evaluated: 2019-07-22. Review status: criteria provided, single submitter. Criteria: ACMG Guidelines, 2015. Collection method: clinical testing. Allele origin: germline.

Illumina Laboratory Services, Illumina
Classification: Uncertain significance for Emery-Dreifuss muscular dystrophy 4, autosomal dominant. Last evaluated: 2018-01-12. Review status: criteria provided, single submitter. Criteria: ICSL Variant Classification Criteria 13 December 2019. Collection method: clinical testing. Allele origin: germline.

Illumina Laboratory Services, Illumina
Classification: Uncertain significance for Autosomal recessive ataxia, Beauce type. Last evaluated: 2018-01-12. Review status: criteria provided, single submitter. Criteria: ICSL Variant Classification Criteria 13 December 2019. Collection method: clinical testing. Allele origin: germline.

NM_182961.4(SYNE1):c.664C>T (p.Pro222Ser)

Gene: SYNE1 (spectrin repeat containing nuclear envelope protein 1; minus strand). Cytogenetic location: 6q25.2.
Variant type: single nucleotide variant.
Coding change: c.664C>T on transcript NM_182961.4 (MANE Select); coding-DNA position 664, C replaced by T.
Protein change: p.Pro222Ser; replaces proline 222 with serine.
Molecular consequence: missense variant.
Genome position (GRCh38, 1-based): chr6:152,505,315, G>A on the plus strand (C>T on the coding strand, the complement: SYNE1 is on the minus strand). VCF-style: chr6-152505315-G-A. GRCh37 (hg19) VCF-style: chr6-152826450-G-A.
Other names: c.685C>T, p.Pro229Ser (NM_033071.5); short protein forms P222S, P229S.
Identifiers: ClinVar variation 908036 (VCV000908036.13), dbSNP rs2099051828, ClinGen allele CA366148879.